The following is an entry in ClinVar:

NM_000784.4(CYP27A1):c.223C>A (p.Gln75Lys)

Gene: CYP27A1 (cytochrome P450 family 27 subfamily A member 1; plus strand). Cytogenetic location: 2q35.
Variant type: single nucleotide variant.
Coding change: c.223C>A on transcript NM_000784.4 (MANE Select); coding-DNA position 223, C replaced by A.
Protein change: p.Gln75Lys; replaces glutamine 75 with lysine.
Molecular consequence: missense variant.
Genome position (GRCh38, 1-based): chr2:218,782,405, C>A. VCF-style: chr2-218782405-C-A. GRCh37 (hg19) VCF-style: chr2-219647128-C-A.
Other names: short protein forms Q75K.
Identifiers: ClinVar variation 2110041 (VCV002110041.1), dbSNP rs745513715, ClinGen allele CA350576847.
Genomic context (GRCh38, chr2:218,782,405, plus strand): 5'-CGGAGCTTAGAGGAGATTCCACGTCTAGGACAGCTGCGCTTCTTCTTTCAGCTGTTCGTT[C>A]AAGGCTATGCCCTGCAACTGCACCAGTTACAGGTAACCCGCGGGGGCATCGCGTCCTGGG-3'
Protein context (NP_000775.1, residues 65-85): QLRFFFQLFV[Gln75Lys]GYALQLHQLQ

ClinVar aggregate classification (germline): Uncertain significance (1 of 4 stars; one submission).

Conditions:
Cholestanol storage disease (CTX). Also called: CEREBRAL CHOLESTERINOSIS; Cerebrotendinous Xanthomatosis; CTX: Cerebrotendinous xanthomatosis. Identifiers: Orphanet 909, MedGen C0238052, MONDO:0008948, OMIM 213700.

Submission:

Labcorp Genetics (formerly Invitae), Labcorp
Classification: Uncertain significance for Cholestanol storage disease. Last evaluated: 2022-03-12. Review status: criteria provided, single submitter. Criteria: Invitae Variant Classification Sherloc (09022015). Collection method: clinical testing. Allele origin: germline.
Comment: This sequence change replaces glutamine, which is neutral and polar, with lysine, which is basic and polar, at codon 75 of the CYP27A1 protein (p.Gln75Lys). This variant is not present in population databases (gnomAD no frequency). This variant has not been reported in the literature in individuals affected with CYP27A1-related conditions. Advanced modeling of protein sequence and biophysical properties (such as structural, functional, and spatial information, amino acid conservation, physicochemical variation, residue mobility, and thermodynamic stability) performed at Invitae indicates that this missense variant is not expected to disrupt CYP27A1 protein function. In summary, the available evidence is currently insufficient to determine the role of this variant in disease. Therefore, it has been classified as a Variant of Uncertain Significance.